The following is an entry in ClinVar:

NM_004360.5(CDH1):c.2320A>G (p.Arg774Gly)

Gene: CDH1 (cadherin 1; plus strand). Cytogenetic location: 16q22.1.
Variant type: single nucleotide variant.
Coding change: c.2320A>G on transcript NM_004360.5 (MANE Select); coding-DNA position 2320, A replaced by G.
Protein change: p.Arg774Gly; replaces arginine 774 with glycine.
Molecular consequence: missense variant.
Genome position (GRCh38, 1-based): chr16:68,829,678, A>G. VCF-style: chr16-68829678-A-G. GRCh37 (hg19) VCF-style: chr16-68863581-A-G.
Other names: c.2320A>G (LRG_301t1); c.2137A>G, p.Arg713Gly (NM_001317184.2); c.772A>G, p.Arg258Gly (NM_001317185.2); c.355A>G, p.Arg119Gly (NM_001317186.2); short protein forms R774G, R258G, R119G, R713G.
Identifiers: ClinVar variation 423080 (VCV000423080.28), dbSNP rs753540183, ClinGen allele CA8130256.

ClinVar aggregate classification (germline): Uncertain significance. Review status: criteria provided, multiple submitters, no conflicts (2 of 4 stars). 6 submissions from 6 submitters: Uncertain significance (6). Last evaluated 2025-12-05.

Conditions:
CDH1-related diffuse gastric and lobular breast cancer syndrome. Also called: CDH1-related diffuse gastric and lobular breast cancer. Identifiers: MedGen CN311521, MONDO:0100488.
Hereditary cancer-predisposing syndrome. Also called: Hereditary neoplastic syndrome; Hereditary Cancer Syndrome; Neoplastic Syndromes, Hereditary; Tumor predisposition. Identifiers: Orphanet 140162, MedGen C0027672, MeSH D009386, MONDO:0015356.
Hereditary diffuse gastric adenocarcinoma (HDGC). Also called: DIFFUSE GASTRIC AND LOBULAR BREAST CANCER SYNDROME. Identifiers: Orphanet 26106, MedGen C1708349, MONDO:0007648, OMIM 137215.

Allele frequency attached by ClinVar (database versions not stated): gnomAD exomes below 0.00001; ExAC 0.00001; gnomAD 0.00001; TOPMed 0.00002.

Submissions (6):

Labcorp Genetics (formerly Invitae), Labcorp
Classification: Uncertain significance for Hereditary diffuse gastric adenocarcinoma. Last evaluated: 2025-12-05. Review status: criteria provided, single submitter. Criteria: Invitae Variant Classification Sherloc (09022015). Collection method: clinical testing. Allele origin: germline.
Comment: This sequence change replaces arginine, which is basic and polar, with glycine, which is neutral and non-polar, at codon 774 of the CDH1 protein (p.Arg774Gly). This variant is present in population databases (rs753540183, gnomAD 0.003%). This variant has not been reported in the literature in individuals affected with CDH1-related conditions. ClinVar contains an entry for this variant (Variation ID: 423080). An algorithm developed to predict the effect of missense changes on protein structure and function (PolyPhen-2) suggests that this variant is likely to be disruptive. In summary, the available evidence is currently insufficient to determine the role of this variant in disease. Therefore, it has been classified as a Variant of Uncertain Significance.

Ambry Genetics
Classification: Uncertain significance for Hereditary cancer-predisposing syndrome. Last evaluated: 2025-04-18. Review status: criteria provided, single submitter. Criteria: Ambry Variant Classification Scheme 2023. Collection method: clinical testing. Allele origin: germline.
Comment: The p.R774G variant (also known as c.2320A>G), located in coding exon 15 of the CDH1 gene, results from an A to G substitution at nucleotide position 2320. The arginine at codon 774 is replaced by glycine, an amino acid with dissimilar properties. This amino acid position is highly conserved in available vertebrate species. In addition, this alteration is predicted to be deleterious by in silico analysis. This variant was detected as heterozygous in individual(s) with no reported features of CDH1-related diffuse gastric and lobular breast cancer (DGLBC) (Ambry internal data). Based on the available evidence, the clinical significance of this variant remains unclear.

Color Diagnostics, LLC DBA Color Health
Classification: Uncertain significance for Hereditary cancer-predisposing syndrome. Last evaluated: 2024-11-18. Review status: criteria provided, single submitter. Criteria: ACMG Guidelines, 2015. Collection method: clinical testing. Allele origin: germline.
Comment: This missense variant replaces arginine with glycine at codon 774 of the CDH1 protein. To our knowledge, functional studies have not been reported for this variant. This variant has not been reported in individuals affected with CDH1-related disorders in the literature. This variant has been identified in 1/251454 chromosomes in the general population by the Genome Aggregation Database (gnomAD). The available evidence is insufficient to determine the role of this variant in disease conclusively. Therefore, this variant is classified as a Variant of Uncertain Significance.

Institute for Genomic Medicine (IGM) Clinical Laboratory, Nationwide Children's Hospital
Classification: Uncertain significance for CDH1-related diffuse gastric and lobular breast cancer syndrome. Last evaluated: 2024-01-01. Review status: criteria provided, single submitter. Criteria: ACMG Guidelines, 2015. Collection method: clinical testing. Allele origin: germline.
Comment: This variant is absent from or present at an exceedingly low frequency in gnomAD, a large-scale control population database (ACMG/AMP: PM2).

Quest Diagnostics Nichols Institute San Juan Capistrano
Classification: Uncertain significance. Last evaluated: 2023-09-27. Review status: criteria provided, single submitter. Criteria: Quest Diagnostics criteria. Collection method: clinical testing. Allele origin: unknown.

GeneDx
Classification: Uncertain significance. Last evaluated: 2019-12-23. Review status: criteria provided, single submitter. Criteria: GeneDx Variant Classification Process June 2021. Collection method: clinical testing. Allele origin: germline. Affected: yes.
Comment: Not observed at a significant frequency in large population cohorts (Lek 2016); In silico analysis, which includes protein predictors and evolutionary conservation, supports a deleterious effect; Observed in an individual with medulloblastoma (Zhang 2015); This variant is associated with the following publications: (PMID: 31613886, 26580448, 28481359)

Literature cited by the submitters: PubMed 31206626 (cited by Quest Diagnostics Nichols Institute San Juan Capistrano); PubMed 26580448 (cited by Quest Diagnostics Nichols Institute San Juan Capistrano); PubMed 31613886 (cited by Quest Diagnostics Nichols Institute San Juan Capistrano).